The following is an entry in ClinVar:

ClinVar aggregate classification (germline): Likely pathogenic (1 of 4 stars; one submission).

Allele frequency attached by ClinVar (database versions not stated): gnomAD exomes below 0.00001.
gnomAD v4.1: 3 of 1,611,912 alleles (0.00019%); highest among the groups gnomAD compares: Non-Finnish European, 0.00025%; no homozygotes.

Submission:

Labcorp Genetics (formerly Invitae), Labcorp
Classification: Likely pathogenic. Last evaluated: 2024-01-08. Review status: criteria provided, single submitter. Criteria: Invitae Variant Classification Sherloc (09022015). Collection method: clinical testing. Allele origin: germline.
Comment: This sequence change affects a donor splice site in intron 7 of the CSF1R gene. It is expected to disrupt RNA splicing. Variants that disrupt the donor or acceptor splice site typically lead to a loss of protein function (PMID: 16199547), and loss-of-function variants in CSF1R are known to be pathogenic (PMID: 22046273, 24120500, 24145216, 24336230, 30982608, 30982609). This variant is present in population databases (no rsID available, gnomAD 0.0009%). This variant has not been reported in the literature in individuals affected with CSF1R-related conditions. ClinVar contains an entry for this variant (Variation ID: 1971891). Algorithms developed to predict the effect of sequence changes on RNA splicing suggest that this variant may disrupt the consensus splice site. In summary, the currently available evidence indicates that the variant is pathogenic, but additional data are needed to prove that conclusively. Therefore, this variant has been classified as Likely Pathogenic.

Literature cited by the submitters: PubMed 16199547; PubMed 22046273; PubMed 24120500; PubMed 24145216; PubMed 24336230; PubMed 30982608; PubMed 30982609.

NM_001288705.3(CSF1R):c.1082+1G>A

Gene: CSF1R (colony stimulating factor 1 receptor; minus strand). Cytogenetic location: 5q32.
Variant type: single nucleotide variant.
Coding change: c.1082+1G>A on transcript NM_001288705.3 (MANE Select); the canonical splice donor site of the intron after coding-DNA position 1082, G replaced by A.
Molecular consequence: splice donor variant.
Genome position (GRCh38, 1-based): chr5:150,073,300, C>T on the plus strand (G>A on the coding strand, the complement: CSF1R is on the minus strand). VCF-style: chr5-150073300-C-T. GRCh37 (hg19) VCF-style: chr5-149452863-C-T.
Other names: c.638+1G>A (NM_001375321.1); c.1082+1G>A (NM_005211.4, NM_001375320.1, NM_001349736.2).
Identifiers: ClinVar variation 1971891 (VCV001971891.5), dbSNP rs1371847178, ClinGen allele CA361724412.